The following is an entry in ClinVar:

ClinVar aggregate classification (germline): Uncertain significance. Review status: criteria provided, multiple submitters, no conflicts (2 of 4 stars). 3 submissions from 3 submitters: Uncertain significance (3). Last evaluated 2025-10-23.

Conditions:
Hereditary cancer-predisposing syndrome. Also called: Tumor predisposition; Hereditary Cancer Syndrome; Hereditary neoplastic syndrome; Neoplastic Syndromes, Hereditary. Identifiers: Orphanet 140162, MedGen C0027672, MeSH D009386, MONDO:0015356.
POLD1-related polyposis and colorectal cancer syndrome (CRCS10). Also called: Colorectal cancer 10; COLORECTAL CANCER, SUSCEPTIBILITY TO, ON CHROMOSOME 19q; Colorectal cancer, susceptibility to, 10. Identifiers: Orphanet 220460, MedGen C2675481, MONDO:0012953, OMIM 612591.

Allele frequency attached by ClinVar (database versions not stated): gnomAD exomes below 0.00001; TOPMed below 0.00001.
gnomAD v4.1: 2 of 1,613,192 alleles (0.00012%); highest among the groups gnomAD compares: Non-Finnish European, 0.00017%; no homozygotes.

Submissions (3):

Labcorp Genetics (formerly Invitae), Labcorp
Classification: Uncertain significance for POLD1-related polyposis and colorectal cancer syndrome. Last evaluated: 2025-10-23. Review status: criteria provided, single submitter. Criteria: Invitae Variant Classification Sherloc (09022015). Collection method: clinical testing. Allele origin: germline.
Comment: This sequence change replaces aspartic acid, which is acidic and polar, with valine, which is neutral and non-polar, at codon 433 of the POLD1 protein (p.Asp433Val). The frequency data for this variant in the population databases is considered unreliable, as metrics indicate poor data quality at this position in the gnomAD database. This variant has not been reported in the literature in individuals affected with POLD1-related conditions. ClinVar contains an entry for this variant (Variation ID: 484391). Invitae Evidence Modeling of protein sequence and biophysical properties (such as structural, functional, and spatial information, amino acid conservation, physicochemical variation, residue mobility, and thermodynamic stability) indicates that this missense variant is not expected to disrupt POLD1 protein function with a negative predictive value of 80%. RNA analysis performed to evaluate the impact of this missense change on mRNA splicing indicates it does not significantly alter splicing (internal data). In summary, the available evidence is currently insufficient to determine the role of this variant in disease. Therefore, it has been classified as a Variant of Uncertain Significance.

Ambry Genetics
Classification: Uncertain significance for Hereditary cancer-predisposing syndrome. Last evaluated: 2025-09-24. Review status: criteria provided, single submitter. Criteria: Ambry Variant Classification Scheme 2023. Collection method: clinical testing. Allele origin: germline.
Comment: The p.D433V variant (also known as c.1298A>T), located in coding exon 10 of the POLD1 gene, results from an A to T substitution at nucleotide position 1298. The aspartic acid at codon 433 is replaced by valine, an amino acid with highly dissimilar properties. This amino acid position is well conserved in available vertebrate species. In addition, this alteration is predicted to be tolerated by in silico analysis. Since supporting evidence is limited at this time, the clinical significance of this alteration remains unclear.

GeneDx
Classification: Uncertain significance. Last evaluated: 2022-07-28. Review status: criteria provided, single submitter. Criteria: GeneDx Variant Classification Process June 2021. Collection method: clinical testing. Allele origin: germline. Affected: yes.
Comment: Not observed at significant frequency in large population cohorts (gnomAD); In silico analysis supports that this missense variant has a deleterious effect on protein structure/function; In silico analysis suggests this variant may impact gene splicing. In the absence of RNA/functional studies, the actual effect of this sequence change is unknown.; Has not been previously published as pathogenic or benign to our knowledge; This variant is associated with the following publications: (PMID: 20951805)

NM_002691.4(POLD1):c.1298A>T (p.Asp433Val)

Gene: POLD1 (DNA polymerase delta 1, catalytic subunit; plus strand). Cytogenetic location: 19q13.33.
Variant type: single nucleotide variant.
Coding change: c.1298A>T on transcript NM_002691.4 (MANE Select); coding-DNA position 1298, A replaced by T.
Protein change: p.Asp433Val; replaces aspartic acid 433 with valine.
Molecular consequence: missense variant. On other transcripts: non-coding transcript variant (1).
Genome position (GRCh38, 1-based): chr19:50,406,237, A>T. VCF-style: chr19-50406237-A-T. GRCh37 (hg19) VCF-style: chr19-50909494-A-T.
Other names: c.1298A>T, p.Asp433Val (NM_001256849.1, NM_001308632.1); c.1298A>T (NM_002691.3); short protein forms D433V.
Identifiers: ClinVar variation 484391 (VCV000484391.17), dbSNP rs767560532, ClinGen allele CA309601752.